The following is an entry in ClinVar:

ClinVar aggregate classification (germline): Uncertain significance (0 of 4 stars; one submission).

Conditions:
CFAP418-related disorder. Also called: CFAP418-related condition.

Submission:

PreventionGenetics, part of Exact Sciences
Classification: Uncertain significance for CFAP418-related condition. Last evaluated: 2024-09-16. Review status: no assertion criteria provided. Collection method: clinical testing. Allele origin: germline.
Comment: The CFAP418 c.336C>A variant is predicted to result in the amino acid substitution p.Ser112Arg. To our knowledge, this variant has not been reported in the literature or in a large population database, indicating this variant is rare. At this time, the clinical significance of this variant is uncertain due to the absence of conclusive functional and genetic evidence.

NM_177965.4(CFAP418):c.336C>A (p.Ser112Arg)

Gene: CFAP418 (cilia and flagella associated protein 418; minus strand). Cytogenetic location: 8q22.1.
Variant type: single nucleotide variant.
Coding change: c.336C>A on transcript NM_177965.4 (MANE Select); coding-DNA position 336, C replaced by A.
Protein change: p.Ser112Arg; replaces serine 112 with arginine.
Molecular consequence: missense variant.
Genome position (GRCh38, 1-based): chr8:95,259,878, G>T on the plus strand (C>A on the coding strand, the complement: CFAP418 is on the minus strand). VCF-style: chr8-95259878-G-T. GRCh37 (hg19) VCF-style: chr8-96272106-G-T.
Other names: c.336C>A, p.Ser112Arg (NM_001363260.1); short protein forms S112R.
Identifiers: ClinVar variation 3345734 (VCV003345734.1).